The following is an entry in ClinVar:

ClinVar aggregate classification (germline): Uncertain significance (1 of 4 stars; one submission).

Allele frequency attached by ClinVar (database versions not stated): ExAC 0.00002; gnomAD exomes 0.00002 and 0.00003; TOPMed 0.00004; gnomAD 0.00006; ESP Exome Variant Server 0.00008.

Submission:

Labcorp Genetics (formerly Invitae), Labcorp
Classification: Uncertain significance. Last evaluated: 2022-07-23. Review status: criteria provided, single submitter. Criteria: Invitae Variant Classification Sherloc (09022015). Collection method: clinical testing. Allele origin: germline.
Comment: In summary, the available evidence is currently insufficient to determine the role of this variant in disease. Therefore, it has been classified as a Variant of Uncertain Significance. Algorithms developed to predict the effect of missense changes on protein structure and function are either unavailable or do not agree on the potential impact of this missense change (SIFT: "Deleterious"; PolyPhen-2: "Probably Damaging"; Align-GVGD: "Class C15"). ClinVar contains an entry for this variant (Variation ID: 1473337). This variant has not been reported in the literature in individuals affected with PLOD3-related conditions. This variant is present in population databases (rs368287580, gnomAD 0.004%). This sequence change replaces aspartic acid, which is acidic and polar, with asparagine, which is neutral and polar, at codon 190 of the PLOD3 protein (p.Asp190Asn).

NM_001084.5(PLOD3):c.568G>A (p.Asp190Asn)

Gene: PLOD3 (procollagen-lysine,2-oxoglutarate 5-dioxygenase 3; minus strand). Cytogenetic location: 7q22.1.
Variant type: single nucleotide variant.
Coding change: c.568G>A on transcript NM_001084.5 (MANE Select); coding-DNA position 568, G replaced by A.
Protein change: p.Asp190Asn; replaces aspartic acid 190 with asparagine.
Molecular consequence: missense variant.
Genome position (GRCh38, 1-based): chr7:101,215,955, C>T on the plus strand (G>A on the coding strand, the complement: PLOD3 is on the minus strand). VCF-style: chr7-101215955-C-T. GRCh37 (hg19) VCF-style: chr7-100859236-C-T.
Other names: short protein forms D190N.
Identifiers: ClinVar variation 1473337 (VCV001473337.6), dbSNP rs368287580, ClinGen allele CA4408143.